The following is an entry in ClinVar:

NM_001271.4(CHD2):c.3700A>T (p.Lys1234Ter)

Gene: CHD2 (chromodomain helicase DNA binding protein 2; plus strand). Cytogenetic location: 15q26.1.
Variant type: single nucleotide variant.
Coding change: c.3700A>T on transcript NM_001271.4 (MANE Select); coding-DNA position 3700, A replaced by T.
Protein change: p.Lys1234Ter; replaces lysine 1234 with a stop codon.
Molecular consequence: nonsense.
Genome position (GRCh38, 1-based): chr15:92,997,061, A>T. VCF-style: chr15-92997061-A-T. GRCh37 (hg19) VCF-style: chr15-93540291-A-T.
Other names: short protein forms K1234*.
Identifiers: ClinVar variation 816967 (VCV000816967.1), dbSNP rs1596447013, ClinGen allele CA393898006.

ClinVar aggregate classification (germline): Pathogenic (1 of 4 stars; one submission).

Submission:

GeneDx
Classification: Pathogenic. Last evaluated: 2019-02-19. Review status: criteria provided, single submitter. Criteria: GeneDx Variant Classification (06012015). Collection method: clinical testing. Allele origin: germline. Affected: yes.
Comment: The K1234X variant in the CHD2 gene has not been reported previously as a pathogenic variant nor as a benign variant, to our knowledge. This variant is predicted to cause loss of normal protein function either through protein truncation or nonsense-mediated mRNA decay. The K1234X variant is not observed in large population cohorts (Lek et al., 2016). We interpret K1234X as a pathogenic variant.